The following is an entry in ClinVar:

ClinVar aggregate classification (germline): Uncertain significance (1 of 4 stars; one submission).

Conditions:
Familial sleep-related hypermotor epilepsy. Also called: Autosomal Dominant Sleep-Related Hypermotor (Hyperkinetic) Epilepsy. Identifiers: Orphanet 98784, MedGen C3696898, MONDO:0000030.

gnomAD v4.1: 4 of 1,614,016 alleles (0.00025%); highest among the groups gnomAD compares: Non-Finnish European, 0.00034%; no homozygotes.

Submission:

Labcorp Genetics (formerly Invitae), Labcorp
Classification: Uncertain significance. Last evaluated: 2024-05-09. Review status: criteria provided, single submitter. Criteria: Invitae Variant Classification Sherloc (09022015). Collection method: clinical testing. Allele origin: germline.
Comment: This sequence change replaces arginine, which is basic and polar, with proline, which is neutral and non-polar, at codon 75 of the CHRNA2 protein (p.Arg75Pro). This variant is present in population databases (no rsID available, gnomAD 0.007%). This variant has not been reported in the literature in individuals affected with CHRNA2-related conditions. Advanced modeling of protein sequence and biophysical properties (such as structural, functional, and spatial information, amino acid conservation, physicochemical variation, residue mobility, and thermodynamic stability) performed at Invitae indicates that this missense variant is expected to disrupt CHRNA2 protein function with a positive predictive value of 80%. In summary, the available evidence is currently insufficient to determine the role of this variant in disease. Therefore, it has been classified as a Variant of Uncertain Significance.

NM_000742.4(CHRNA2):c.224G>C (p.Arg75Pro)

Gene: CHRNA2 (cholinergic receptor nicotinic alpha 2 subunit; minus strand). Cytogenetic location: 8p21.2.
Variant type: single nucleotide variant.
Coding change: c.224G>C on transcript NM_000742.4 (MANE Select); coding-DNA position 224, G replaced by C.
Protein change: p.Arg75Pro; replaces arginine 75 with proline.
Molecular consequence: missense variant. On other transcripts: 5 prime UTR variant (4).
Genome position (GRCh38, 1-based): chr8:27,469,831, C>G on the plus strand (G>C on the coding strand, the complement: CHRNA2 is on the minus strand). VCF-style: chr8-27469831-C-G. GRCh37 (hg19) VCF-style: chr8-27327348-C-G.
Other names: c.224G>C, p.Arg75Pro (NM_001282455.2); c.-204G>C (NM_001347705.2); c.-249G>C (NM_001347706.2); c.-190G>C (NM_001347707.2); c.-238G>C (NM_001347708.2); short protein forms R75P.
Identifiers: ClinVar variation 3604552 (VCV003604552.2).